The following is an entry in ClinVar:

NM_001378183.1(PIEZO2):c.7072G>C (p.Val2358Leu)

Gene: PIEZO2 (piezo type mechanosensitive ion channel component 2; minus strand). Cytogenetic location: 18p11.22.
Variant type: single nucleotide variant.
Coding change: c.7072G>C on transcript NM_001378183.1 (MANE Select); coding-DNA position 7072, G replaced by C.
Protein change: p.Val2358Leu; replaces valine 2358 with leucine.
Molecular consequence: missense variant.
Genome position (GRCh38, 1-based): chr18:10,696,192, C>G on the plus strand (G>C on the coding strand, the complement: PIEZO2 is on the minus strand). VCF-style: chr18-10696192-C-G. GRCh37 (hg19) VCF-style: chr18-10696190-C-G.
Other names: c.6808G>C, p.Val2270Leu (NM_001410871.1); c.6733G>C, p.Val2245Leu (NM_022068.4); short protein forms V2270L, V2358L, V2245L.
Identifiers: ClinVar variation 2455535 (VCV002455535.26), dbSNP rs768440877, ClinGen allele CA8892086.
Genomic context (GRCh38, chr18:10,696,192, plus strand): 5'-TGACCTGGAAGATGACCTTTCCCAGTACAGTCTTCCTGAGGTAGAGGGCTCGGTCCACCA[C>G]CATGGTTCCAAACTGAATGAGGACCATCACCAAAAACGGCCCCGGGACCTGGTCCTCTGA-3'
Protein context (NP_001365112.1, residues 2348-2368): VMVLIQFGTM[Val2358Leu]VDRALYLRKT

ClinVar aggregate classification (germline): Uncertain significance. Review status: criteria provided, multiple submitters, no conflicts (2 of 4 stars). 2 submissions from 2 submitters: Uncertain significance (2). Last evaluated 2025-04-07.

Conditions:
Inborn genetic diseases. Identifiers: MedGen C0950123, MeSH D030342.

Allele frequency attached by ClinVar (database versions not stated): gnomAD 0.00001; TOPMed 0.00001.
gnomAD v4.1: 135 of 1,613,964 alleles (0.0084%); highest among the groups gnomAD compares: Non-Finnish European, 0.011%; no homozygotes.

Submissions (2):

Ambry Genetics
Classification: Uncertain significance for Inborn genetic diseases. Last evaluated: 2025-04-07. Review status: criteria provided, single submitter. Criteria: Ambry Variant Classification Scheme 2023. Collection method: clinical testing. Allele origin: germline.

CeGaT Center for Human Genetics Tuebingen
Classification: Uncertain significance. Last evaluated: 2022-12-01. Review status: criteria provided, single submitter. Criteria: CeGaT Center For Human Genetics Tuebingen Variant Classification Criteria Version 2. Collection method: clinical testing. Allele origin: germline. Affected: yes. Observed: 1 variant allele.
Comment: PIEZO2: PP2, PP3